The following is an entry in ClinVar:

ClinVar aggregate classification (germline): Uncertain significance. Review status: criteria provided, multiple submitters, no conflicts (2 of 4 stars). 2 submissions from 2 submitters: Uncertain significance (2). Last evaluated 2024-11-24.

Conditions:
Inborn genetic diseases. Identifiers: MedGen C0950123, MeSH D030342.
Succinyl-CoA acetoacetate transferase deficiency (SCOTD). Also called: 3-Oxoacid CoA Transferase Deficiency; SCOT DEFICIENCY; SUCCINYL-CoA:3-KETOACID CoA-TRANSFERASE DEFICIENCY; Succinyl CoA:3-oxoacid CoA transferase deficiency; KETOACIDOSIS DUE TO SCOT DEFICIENCY. Identifiers: Orphanet 832, MedGen C0342792, MONDO:0009492, OMIM 245050.

Allele frequency attached by ClinVar (database versions not stated): ExAC 0.00001.
gnomAD v4.1: 6 of 1,613,674 alleles (0.00037%); highest among the groups gnomAD compares: South Asian, 0.0033%; no homozygotes.

Submissions (2):

Ambry Genetics
Classification: Uncertain significance for Inborn genetic diseases. Last evaluated: 2024-11-24. Review status: criteria provided, single submitter. Criteria: Ambry Variant Classification Scheme 2023. Collection method: clinical testing. Allele origin: germline.

Labcorp Genetics (formerly Invitae), Labcorp
Classification: Uncertain significance for Succinyl-CoA acetoacetate transferase deficiency. Last evaluated: 2022-04-30. Review status: criteria provided, single submitter. Criteria: Invitae Variant Classification Sherloc (09022015). Collection method: clinical testing. Allele origin: germline.
Comment: This variant has not been reported in the literature in individuals affected with OXCT1-related conditions. This variant is present in population databases (rs750016760, gnomAD 0.004%). This sequence change replaces arginine, which is basic and polar, with histidine, which is basic and polar, at codon 110 of the OXCT1 protein (p.Arg110His). In summary, the available evidence is currently insufficient to determine the role of this variant in disease. Therefore, it has been classified as a Variant of Uncertain Significance. Algorithms developed to predict the effect of missense changes on protein structure and function are either unavailable or do not agree on the potential impact of this missense change (SIFT: "Deleterious"; PolyPhen-2: "Benign"; Align-GVGD: "Class C0").

NM_000436.4(OXCT1):c.329G>A (p.Arg110His)

Gene: OXCT1 (3-oxoacid CoA-transferase 1; minus strand). Cytogenetic location: 5p13.1.
Variant type: single nucleotide variant.
Coding change: c.329G>A on transcript NM_000436.4 (MANE Select); coding-DNA position 329, G replaced by A.
Protein change: p.Arg110His; replaces arginine 110 with histidine.
Molecular consequence: missense variant. On other transcripts: non-coding transcript variant (1).
Genome position (GRCh38, 1-based): chr5:41,853,504, C>T on the plus strand (G>A on the coding strand, the complement: OXCT1 is on the minus strand). VCF-style: chr5-41853504-C-T. GRCh37 (hg19) VCF-style: chr5-41853606-C-T.
Other names: c.329G>A (NM_000436.3); c.329G>A, p.Arg110His (NM_001364299.2, NM_001364301.2, NM_001364302.2); c.350G>A, p.Arg117His (NM_001364300.2); short protein forms R110H, R117H.
Identifiers: ClinVar variation 2168786 (VCV002168786.5), dbSNP rs750016760, ClinGen allele CA3253626.